The following is an entry in ClinVar:

ClinVar aggregate classification (germline): Uncertain significance. Review status: criteria provided, multiple submitters, no conflicts (2 of 4 stars). 2 submissions from 2 submitters: Uncertain significance (2). Last evaluated 2022-10-13.

Allele frequency attached by ClinVar (database versions not stated): gnomAD exomes below 0.00001 and 0.00001.
gnomAD v4.1: 6 of 1,614,208 alleles (0.00037%); highest among the groups gnomAD compares: Non-Finnish European, 0.00042%; no homozygotes.

Submissions (2):

Labcorp Genetics (formerly Invitae), Labcorp
Classification: Uncertain significance. Last evaluated: 2022-10-13. Review status: criteria provided, single submitter. Criteria: Invitae Variant Classification Sherloc (09022015). Collection method: clinical testing. Allele origin: germline.
Comment: In summary, the available evidence is currently insufficient to determine the role of this variant in disease. Therefore, it has been classified as a Variant of Uncertain Significance. Advanced modeling of protein sequence and biophysical properties (such as structural, functional, and spatial information, amino acid conservation, physicochemical variation, residue mobility, and thermodynamic stability) performed at Invitae indicates that this missense variant is not expected to disrupt CDH3 protein function. ClinVar contains an entry for this variant (Variation ID: 1309788). This variant has not been reported in the literature in individuals affected with CDH3-related conditions. This variant is present in population databases (no rsID available, gnomAD 0.0009%). This sequence change replaces glutamic acid, which is acidic and polar, with alanine, which is neutral and non-polar, at codon 413 of the CDH3 protein (p.Glu413Ala).

GeneDx
Classification: Uncertain significance. Last evaluated: 2019-11-07. Review status: criteria provided, single submitter. Criteria: GeneDx Variant Classification Process June 2021. Collection method: clinical testing. Allele origin: germline. Affected: yes.
Comment: Not observed at a significant frequency in large population cohorts (Lek et al., 2016); In silico analysis, which includes protein predictors and evolutionary conservation, supports a deleterious effect; Has not been previously published as pathogenic or benign to our knowledge

NM_001793.6(CDH3):c.1238A>C (p.Glu413Ala)

Gene: CDH3 (cadherin 3; plus strand). Cytogenetic location: 16q22.1.
Variant type: single nucleotide variant.
Coding change: c.1238A>C on transcript NM_001793.6 (MANE Select); coding-DNA position 1238, A replaced by C.
Protein change: p.Glu413Ala; replaces glutamic acid 413 with alanine.
Molecular consequence: missense variant.
Genome position (GRCh38, 1-based): chr16:68,684,638, A>C. VCF-style: chr16-68684638-A-C. GRCh37 (hg19) VCF-style: chr16-68718541-A-C.
Other names: c.1238A>C, p.Glu413Ala (NM_001317195.3); c.1073A>C, p.Glu358Ala (NM_001317196.2); short protein forms E358A, E413A.
Identifiers: ClinVar variation 1309788 (VCV001309788.7), dbSNP rs1268126408, ClinGen allele CA396453839.
Genomic context (GRCh38, chr16:68,684,638, plus strand): 5'-CCTAGGGTTTGGATTTTGAGGCCAAAAACCAGCACACCCTGTACGTTGAAGTGACCAACG[A>C]GGCCCCTTTTGTGCTGAAGCTCCCAACCTCCACAGCCACCATAGTGGTCCACGTGGAGGA-3'
Protein context (NP_001784.2, residues 403-423): QHTLYVEVTN[Glu413Ala]APFVLKLPTS